The following is an entry in ClinVar:

ClinVar aggregate classification (germline): Pathogenic/Likely pathogenic. Review status: criteria provided, multiple submitters, no conflicts (2 of 4 stars). 4 submissions from 4 submitters: Pathogenic (2); Likely pathogenic (1). 1 of the submissions does not count toward it. Last evaluated 2023-06-06.

Conditions:
Familial cancer of breast. Also called: BREAST CANCER, FAMILIAL; hereditary breast carcinoma; Hereditary breast cancer. Identifiers: Orphanet 227535, MedGen C0346153, MONDO:0016419, OMIM 114480. Disease mechanism: loss of function.
Gastric cancer. Also called: Malignant tumor of stomach; Stomach cancer. Identifiers: MedGen C0024623, MeSH D013274, MONDO:0001056, OMIM 613659, HP:0012126.

Submissions (4):

Myriad Genetics, Inc.
Classification: Pathogenic for Familial cancer of breast. Last evaluated: 2023-06-06. Review status: criteria provided, single submitter. Criteria: Myriad Autosomal Dominant, Autosomal Recessive and X-Linked Classification Criteria (2023). Collection method: clinical testing. Allele origin: unknown.
Comment: This variant is considered pathogenic. This variant creates a frameshift predicted to result in premature protein truncation.

Mendelics
Classification: Pathogenic for Familial cancer of breast. Last evaluated: 2019-05-28. Review status: criteria provided, single submitter. Criteria: Mendelics Assertion Criteria 2017. Collection method: clinical testing. Allele origin: unknown.

Women's Health and Genetics/Laboratory Corporation of America, LabCorp
Classification: Likely pathogenic for Familial cancer of breast. Last evaluated: 2018-11-05. Review status: criteria provided, single submitter. Criteria: LabCorp Variant Classification Summary - May 2015. Collection method: clinical testing. Allele origin: germline.
Comment: Variant summary: BRIP1 c.2078_2079delGT (p.Cys693PhefsX23) results in a premature termination codon, predicted to cause a truncation of the encoded protein or absence of the protein due to nonsense mediated decay, which are commonly known mechanisms for disease. Truncations downstream of this position have been classified as pathogenic by our laboratory (eg. c.2255_2256delAA (p.Lys752fsX12), c.2392C>T (p.Arg798X), and c.2400C>G (p.Tyr800X)). The variant was absent in 30978 control chromosomes (gnomAD). To our knowledge, no occurrence of c.2078_2079delGT in individuals affected with Hereditary Breast and Ovarian Cancer and no experimental evidence demonstrating its impact on protein function have been reported. No clinical diagnostic laboratories have submitted clinical-significance assessments for this variant to ClinVar after 2014. Based on the evidence outlined above, the variant was classified as likely pathogenic.

Laboratory for Genotyping Development, RIKEN
Classification: Pathogenic for Gastric cancer. Last evaluated: 2021-07-01. Review status: no assertion criteria provided. Collection method: research. Allele origin: germline. Not counted in ClinVar's aggregate classification.

Literature cited by the submitters: PubMed 36988593 (cited by Laboratory for Genotyping Development, RIKEN).

NM_032043.3(BRIP1):c.2078_2079del (p.Cys693fs)

Gene: BRIP1 (BRCA1 interacting DNA helicase 1; minus strand). Cytogenetic location: 17q23.2.
Variant type: Microsatellite.
Coding change: c.2078_2079del on transcript NM_032043.3 (MANE Select); coding-DNA positions 2078 to 2079, 2 bases deleted (GT; older notation c.2078_2079delGT).
Protein change: p.Cys693fs; shifts the reading frame from cysteine 693.
Molecular consequence: frameshift variant.
Genome position (GRCh38, 1-based): chr17:61,776,419-61,776,420, AC deleted on the plus strand (GT on the coding strand, the reverse complement: BRIP1 is on the minus strand); deleting any 2 consecutive bases within chr17:61,776,419-61,776,423 gives the same sequence; the c. name uses the placement nearest the transcript's 3' end. VCF-style (leftmost placement, unchanged base first): chr17-61776418-AAC-A. GRCh37 (hg19) VCF-style: chr17-59853779-AAC-A.
Other names: c.2078_2079delGT (NM_032043.2); short protein forms C693fs.
Identifiers: ClinVar variation 633138 (VCV000633138.23), dbSNP rs1603328466, ClinGen allele CA913191130.